The following is an entry in ClinVar:

ClinVar aggregate classification (germline): Pathogenic (1 of 4 stars; one submission).

Allele frequency attached by ClinVar (database versions not stated): TOPMed 0.00001; ExAC 0.00002.
gnomAD v4.1: 7 of 1,614,114 alleles (0.00043%); highest among the groups gnomAD compares: Admixed American, 0.012%; no homozygotes.

Submission:

Labcorp Genetics (formerly Invitae), Labcorp
Classification: Pathogenic. Last evaluated: 2023-10-23. Review status: criteria provided, single submitter. Criteria: Invitae Variant Classification Sherloc (09022015). Collection method: clinical testing. Allele origin: germline.
Comment: This sequence change creates a premature translational stop signal (p.Glu292*) in the UPB1 gene. It is expected to result in an absent or disrupted protein product. Loss-of-function variants in UPB1 are known to be pathogenic (PMID: 15385443, 22525402). This variant is present in population databases (rs760607228, gnomAD 0.02%). This variant has not been reported in the literature in individuals affected with UPB1-related conditions. Algorithms developed to predict the effect of sequence changes on RNA splicing suggest that this variant may disrupt the consensus splice site. For these reasons, this variant has been classified as Pathogenic.

Literature cited by the submitters: PubMed 15385443; PubMed 22525402.

NM_016327.3(UPB1):c.874G>T (p.Glu292Ter)

Gene: UPB1 (beta-ureidopropionase 1; plus strand). Cytogenetic location: 22q11.23.
Variant type: single nucleotide variant.
Coding change: c.874G>T on transcript NM_016327.3 (MANE Select); coding-DNA position 874, G replaced by T.
Protein change: p.Glu292Ter; replaces glutamic acid 292 with a stop codon.
Molecular consequence: nonsense.
Genome position (GRCh38, 1-based): chr22:24,521,986, G>T. VCF-style: chr22-24521986-G-T. GRCh37 (hg19) VCF-style: chr22-24917954-G-T.
Other names: short protein forms E292*.
Identifiers: ClinVar variation 3017661 (VCV003017661.3), dbSNP rs760607228, ClinGen allele CA10153414.
Genomic context (GRCh38, chr22:24,521,986, plus strand): 5'-GGAATGAGTGTAGTGGTAGTGCCACCTATAGGTTCCTCTTACCTTGGTCTTATTTCACAG[G>T]AGCACTTCCCGAACGAGTTTACCTCGGGAGATGGAAAGAAAGGTATGTCCCATGAACCAT-3'